The following is an entry in ClinVar:

ClinVar aggregate classification (germline): Uncertain significance (1 of 4 stars; one submission).

Conditions:
Inborn genetic diseases. Identifiers: MedGen C0950123, MeSH D030342.

Submission:

Ambry Genetics
Classification: Uncertain significance for Inborn genetic diseases. Last evaluated: 2022-09-11. Review status: criteria provided, single submitter. Criteria: Ambry Variant Classification Scheme 2023. Collection method: clinical testing. Allele origin: germline.
Comment: The p.T378I variant (also known as c.1133C>T), located in coding exon 10 of the ACD gene, results from a C to T substitution at nucleotide position 1133. The threonine at codon 378 is replaced by isoleucine, an amino acid with similar properties. This amino acid position is conserved. In addition, this alteration is predicted to be tolerated by in silico analysis. Since supporting evidence is limited at this time, the clinical significance of this alteration remains unclear.

NM_001082486.2(ACD):c.875C>T (p.Thr292Ile)

Gene: ACD (ACD shelterin complex subunit and telomerase recruitment factor; minus strand). Cytogenetic location: 16q22.1.
Variant type: single nucleotide variant.
Coding change: c.875C>T on transcript NM_001082486.2 (MANE Select); coding-DNA position 875, C replaced by T.
Protein change: p.Thr292Ile; replaces threonine 292 with isoleucine.
Molecular consequence: missense variant.
Genome position (GRCh38, 1-based): chr16:67,658,317, G>A on the plus strand (C>T on the coding strand, the complement: ACD is on the minus strand). VCF-style: chr16-67658317-G-A. GRCh37 (hg19) VCF-style: chr16-67692220-G-A.
Other names: c.788C>T, p.Thr263Ile (NM_001410884.1); c.866C>T, p.Thr289Ile (NM_022914.3); short protein forms T289I, T263I, T292I.
Identifiers: ClinVar variation 1729060 (VCV001729060.2), dbSNP rs375173439, ClinGen allele CA283217360.